The following is an entry in ClinVar:

ClinVar aggregate classification (germline): Uncertain significance (1 of 4 stars; one submission).

Conditions:
Developmental and epileptic encephalopathy, 36 (DEE36). Also called: Congenital disorder of glycosylation, type Is; ALG13-CDG; Epileptic encephalopathy, early infantile, 36. Identifiers: Orphanet 324422, MedGen C4317295, MONDO:0010472, OMIM 300884.

gnomAD v4.1: 18 of 1,209,308 alleles (0.0015%); highest among the groups gnomAD compares: Non-Finnish European, 0.002%; no homozygotes.

Submission:

Labcorp Genetics (formerly Invitae), Labcorp
Classification: Uncertain significance for Developmental and epileptic encephalopathy, 36. Last evaluated: 2024-11-25. Review status: criteria provided, single submitter. Criteria: Invitae Variant Classification Sherloc (09022015). Collection method: clinical testing. Allele origin: germline.
Comment: This sequence change replaces proline, which is neutral and non-polar, with serine, which is neutral and polar, at codon 644 of the ALG13 protein (p.Pro644Ser). This variant is present in population databases (no rsID available, gnomAD 0.001%). This variant has not been reported in the literature in individuals affected with ALG13-related conditions. Invitae Evidence Modeling of protein sequence and biophysical properties (such as structural, functional, and spatial information, amino acid conservation, physicochemical variation, residue mobility, and thermodynamic stability) indicates that this missense variant is not expected to disrupt ALG13 protein function with a negative predictive value of 95%. In summary, the available evidence is currently insufficient to determine the role of this variant in disease. Therefore, it has been classified as a Variant of Uncertain Significance.

NM_001099922.3(ALG13):c.1930C>T (p.Pro644Ser)

Gene: ALG13 (ALG13 UDP-N-acetylglucosaminyltransferase subunit; plus strand). Cytogenetic location: Xq23.
Variant type: single nucleotide variant.
Coding change: c.1930C>T on transcript NM_001099922.3 (MANE Select); coding-DNA position 1930, C replaced by T.
Protein change: p.Pro644Ser; replaces proline 644 with serine.
Molecular consequence: missense variant. On other transcripts: non-coding transcript variant (1).
Genome position (GRCh38, 1-based): chrX:111,727,009, C>T. VCF-style: chrX-111727009-C-T. GRCh37 (hg19) VCF-style: chrX-110970237-C-T.
Other names: c.1618C>T, p.Pro540Ser (NM_001257230.2, NM_001257234.2, NM_001257237.2); c.1696C>T, p.Pro566Ser (NM_001257231.2); c.1930C>T, p.Pro644Ser (NM_001324292.2); c.1444C>T, p.Pro482Ser (NM_001324293.1); short protein forms P482S, P540S, P644S, P566S.
Identifiers: ClinVar variation 3672594 (VCV003672594.2).
Genomic context (GRCh38, chrX:111,727,009, plus strand): 5'-GATCCTCCAATGCACTACTCACAGACAGCTGGCAATGTTATGTCTAATGAACATTTTCAT[C>T]CTCAGCATCCATCTCCGAGACAAGGTCGGGGATATGGGATGCCCAGGTAAGACATTGACA-3'
Protein context (NP_001093392.1, residues 634-654): GNVMSNEHFH[Pro644Ser]QHPSPRQGRG